The following is an entry in ClinVar:

NC_000023.10:g.(?_103031924)_(103045526_?)dup

Gene: PLP1 (proteolipid protein 1; plus strand). Cytogenetic location: Xq22.2.
Variant type: Duplication.
Identifiers: ClinVar variation 1068867 (VCV001068867.2).

ClinVar aggregate classification (germline): Pathogenic (1 of 4 stars; one submission).

Conditions:
Hereditary spastic paraplegia 2 (SPG2). Also called: Spastic Paraplegia 2 (SPG2); SPASTIC PARAPLEGIA 2, X-LINKED. Identifiers: Orphanet 99015, MedGen C0751604, MONDO:0010733, OMIM 312920.

Submission:

Labcorp Genetics (formerly Invitae), Labcorp
Classification: Pathogenic for Hereditary spastic paraplegia 2. Last evaluated: 2022-11-01. Review status: criteria provided, single submitter. Criteria: Invitae Variant Classification Sherloc (09022015). Collection method: clinical testing. Allele origin: germline.
Comment: A copy number gain of the genomic region encompassing the full coding sequence of the PLP1 gene has been identified. The boundaries of this event are unknown as they extend beyond the assayed region for this gene and therefore may encompass additional genes. As the precise location of this event is unknown, it may be in tandem or it may be located elsewhere in the genome. A similar copy number variant has been observed in individuals with Pelizaeus-Merzbacher disease (PMID: 9634530, 10417279, 16380909, 18160035, 19328639). For these reasons, this variant has been classified as Pathogenic.

Literature cited by the submitters: PubMed 9634530; PubMed 10417279; PubMed 16380909; PubMed 18160035; PubMed 19328639.